The following is an entry in ClinVar:

NM_001003694.2(BRPF1):c.477C>A (p.Asp159Glu)

Gene: BRPF1 (bromodomain and PHD finger containing 1; plus strand). Cytogenetic location: 3p25.3.
Variant type: single nucleotide variant.
Coding change: c.477C>A on transcript NM_001003694.2 (MANE Select); coding-DNA position 477, C replaced by A.
Protein change: p.Asp159Glu; replaces aspartic acid 159 with glutamic acid.
Molecular consequence: missense variant. On other transcripts: non-coding transcript variant (1).
Genome position (GRCh38, 1-based): chr3:9,734,617, C>A. VCF-style: chr3-9734617-C-A. GRCh37 (hg19) VCF-style: chr3-9776301-C-A.
Other names: c.477C>A, p.Asp159Glu (NM_001319049.2, NM_001319050.2, NM_001410704.1 and 1 more transcripts); short protein forms D159E.
Identifiers: ClinVar variation 2502640 (VCV002502640.1), dbSNP rs1176850541, ClinGen allele CA351680966.
Genomic context (GRCh38, chr3:9,734,617, plus strand): 5'-TGAGACACCAGCTGCTACTCCCAAGTCAGGCAAACATAAGAACAAGGAGAAGCGCAAGGA[C>A]TCCAACCATCACCACCACCACAATGTTTCTGCGAGCACCACTCCCAAGCTGCCAGAGGTG-3'
Protein context (NP_001003694.1, residues 149-169): GKHKNKEKRK[Asp159Glu]SNHHHHHNVS

ClinVar aggregate classification (germline): Uncertain significance (1 of 4 stars; one submission).

Allele frequency attached by ClinVar (database versions not stated): gnomAD 0.00001; TOPMed 0.00001.
gnomAD v4.1: 1 of 1,614,074 alleles (0.000062%); highest among the groups gnomAD compares: Non-Finnish European, 0.000085%; no homozygotes.

Submission:

GeneDx
Classification: Uncertain significance. Last evaluated: 2022-11-22. Review status: criteria provided, single submitter. Criteria: GeneDx Variant Classification Process June 2021. Collection method: clinical testing. Allele origin: germline. Affected: yes.
Comment: In silico analysis supports that this missense variant does not alter protein structure/function; Has not been previously published as pathogenic or benign to our knowledge